The following is an entry in ClinVar:

NM_003835.4(RGS9):c.382C>T (p.Arg128Ter)

Gene: RGS9 (regulator of G protein signaling 9; plus strand). Cytogenetic location: 17q24.1.
Variant type: single nucleotide variant.
Coding change: c.382C>T on transcript NM_003835.4 (MANE Select); coding-DNA position 382, C replaced by T.
Protein change: p.Arg128Ter; replaces arginine 128 with a stop codon.
Molecular consequence: nonsense.
Genome position (GRCh38, 1-based): chr17:65,160,868, C>T. VCF-style: chr17-65160868-C-T. GRCh37 (hg19) VCF-style: chr17-63156986-C-T.
Other names: c.382C>T, p.Arg128Ter (NM_001081955.3, NM_001165933.2); short protein forms R128*.
Identifiers: ClinVar variation 2073786 (VCV002073786.6), dbSNP rs760312819, ClinGen allele CA8717649.

ClinVar aggregate classification (germline): Pathogenic/Likely pathogenic. Review status: criteria provided, multiple submitters, no conflicts (2 of 4 stars). 3 submissions from 3 submitters: Pathogenic (1); Likely pathogenic (1). 1 of the submissions does not count toward it. Last evaluated 2025-05-06.

Conditions:
RGS9-related disorder. Also called: RGS9-related condition.
Bradyopsia. Identifiers: Orphanet 75374, MedGen C1842073, MONDO:0012033, HP:0030511.

Allele frequency attached by ClinVar (database versions not stated): gnomAD 0.00002; TOPMed 0.00002.
gnomAD v4.1: 52 of 1,613,646 alleles (0.0032%); highest among the groups gnomAD compares: Admixed American, 0.0067%; no homozygotes.

Submissions (3):

Labcorp Genetics (formerly Invitae), Labcorp
Classification: Pathogenic. Last evaluated: 2025-05-06. Review status: criteria provided, single submitter. Criteria: Invitae Variant Classification Sherloc (09022015). Collection method: clinical testing. Allele origin: germline.
Comment: This sequence change creates a premature translational stop signal (p.Arg128*) in the RGS9 gene. It is expected to result in an absent or disrupted protein product. Loss-of-function variants in RGS9 are known to be pathogenic (PMID: 11262419, 14702087). This variant is present in population databases (rs760312819, gnomAD 0.009%). This premature translational stop signal has been observed in individual(s) with bradyopsia (PMID: 19818506). In at least one individual the data is consistent with being in trans (on the opposite chromosome) from a pathogenic variant. ClinVar contains an entry for this variant (Variation ID: 2073786). For these reasons, this variant has been classified as Pathogenic.

Blueprint Genetics
Classification: Likely pathogenic for RGS9-related disorders. Last evaluated: 2023-06-08. Review status: criteria provided, single submitter. Criteria: ACMG Guidelines, 2015. Collection method: clinical testing. Allele origin: germline. Affected: yes. Observed: 5 variant alleles.

OMIM
Classification: drug response for PROLONGED ELECTRORETINAL RESPONSE SUPPRESSION 1. Last evaluated: 2023-04-24. Review status: no assertion criteria provided. Collection method: literature only. Allele origin: germline. Not counted in ClinVar's aggregate classification.

Literature cited by the submitters: PubMed 11262419 (cited by Labcorp Genetics (formerly Invitae), Labcorp); PubMed 14702087 (cited by Labcorp Genetics (formerly Invitae), Labcorp); PubMed 19818506 (cited by Labcorp Genetics (formerly Invitae), Labcorp and OMIM).